The following is an entry in ClinVar:

ClinVar aggregate classification (germline): Benign/Likely benign. Review status: criteria provided, multiple submitters, no conflicts (2 of 4 stars). 7 submissions from 7 submitters: Benign (1); Likely benign (5). 1 of the submissions does not count toward it. Last evaluated 2025-11-19.

Conditions:
Schinzel-Giedion syndrome (SGS). Identifiers: Orphanet 798, MedGen C0265227, MONDO:0010010, OMIM 269150.
SETBP1-related disorder. Also called: SETBP1-related condition; SETBP1-related disorders.

Allele frequency attached by ClinVar (database versions not stated): ESP Exome Variant Server 0.00008; gnomAD 0.00012 and 0.00017; TOPMed 0.00016; gnomAD exomes 0.00025 and 0.00029; ExAC 0.00035; 1000 Genomes Project 0.00040; 1000 Genomes Project 30x 0.00047.

Submissions (7):

Labcorp Genetics (formerly Invitae), Labcorp
Classification: Likely benign. Last evaluated: 2025-11-19. Review status: criteria provided, single submitter. Criteria: Invitae Variant Classification Sherloc (09022015). Collection method: clinical testing. Allele origin: germline.

Blueprint Genetics
Classification: Likely benign. Last evaluated: 2024-11-13. Review status: criteria provided, single submitter. Criteria: ACMG Guidelines, 2015. Collection method: clinical testing. Allele origin: germline.

CeGaT Center for Human Genetics Tuebingen
Classification: Likely benign. Last evaluated: 2024-08-01. Review status: criteria provided, single submitter. Criteria: CeGaT Center For Human Genetics Tuebingen Variant Classification Criteria Version 2. Collection method: clinical testing. Allele origin: germline. Affected: yes. Observed: 1 variant allele.
Comment: SETBP1: BS1

Revvity Omics, Revvity
Classification: Likely benign. Last evaluated: 2023-11-15. Review status: criteria provided, single submitter. Criteria: ACMG Guidelines, 2015. Collection method: clinical testing. Allele origin: germline.

KCCC/NGS Laboratory, Kuwait Cancer Control Center
Classification: Likely benign for Schinzel-Giedion syndrome. Last evaluated: 2023-07-07. Review status: criteria provided, single submitter. Criteria: ACMG Guidelines, 2015. Collection method: clinical testing. Allele origin: germline. Affected: yes.

GeneDx
Classification: Benign. Last evaluated: 2021-02-01. Review status: criteria provided, single submitter. Criteria: GeneDx Variant Classification Process June 2021. Collection method: clinical testing. Allele origin: germline. Affected: yes.

PreventionGenetics, part of Exact Sciences
Classification: Likely benign for SETBP1-related condition. Last evaluated: 2020-02-19. Review status: no assertion criteria provided. Collection method: clinical testing. Allele origin: germline. Not counted in ClinVar's aggregate classification.
Comment: This variant is classified as likely benign based on ACMG/AMP sequence variant interpretation guidelines (Richards et al. 2015 PMID: 25741868, with internal and published modifications).

NM_015559.3(SETBP1):c.685G>A (p.Gly229Arg)

Gene: SETBP1 (SET binding protein 1; plus strand). Cytogenetic location: 18q12.3.
Variant type: single nucleotide variant.
Coding change: c.685G>A on transcript NM_015559.3 (MANE Select); coding-DNA position 685, G replaced by A.
Protein change: p.Gly229Arg; replaces glycine 229 with arginine.
Molecular consequence: missense variant.
Genome position (GRCh38, 1-based): chr18:44,950,025, G>A. VCF-style: chr18-44950025-G-A. GRCh37 (hg19) VCF-style: chr18-42529990-G-A.
Other names: c.685G>A, p.Gly229Arg (LRG_1150t1); short protein forms G229R.
Identifiers: ClinVar variation 326726 (VCV000326726.36), dbSNP rs143196787, ClinGen allele CA8945483.